The following is an entry in ClinVar:

ClinVar aggregate classification (germline): Uncertain significance (1 of 4 stars; one submission).

Allele frequency attached by ClinVar (database versions not stated): TOPMed below 0.00001; ExAC 0.00001; ESP Exome Variant Server 0.00008.

Submission:

GeneDx
Classification: Uncertain significance. Last evaluated: 2023-11-10. Review status: criteria provided, single submitter. Criteria: GeneDx Variant Classification Process June 2021. Collection method: clinical testing. Allele origin: germline.
Comment: Not observed at significant frequency in large population cohorts (gnomAD); In silico analysis supports that this missense variant does not alter protein structure/function; Although located in a calcium-binding EGF-like domain of the FBN1 gene, it does not affect a cysteine residue within this domain; cysteine substitutions in the calcium-binding EGF-like domains represent the majority of pathogenic missense changes associated with FBN1-related disorders (PMID: 12938084); Has not been previously published as pathogenic or benign to our knowledge; This variant is associated with the following publications: (PMID: 12938084)

NM_000138.5(FBN1):c.7489C>G (p.Gln2497Glu)

Gene: FBN1 (fibrillin 1; minus strand). Cytogenetic location: 15q21.1.
Variant type: single nucleotide variant.
Coding change: c.7489C>G on transcript NM_000138.5 (MANE Select); coding-DNA position 7489, C replaced by G.
Protein change: p.Gln2497Glu; replaces glutamine 2497 with glutamic acid.
Molecular consequence: missense variant.
Genome position (GRCh38, 1-based): chr15:48,422,033, G>C on the plus strand (C>G on the coding strand, the complement: FBN1 is on the minus strand). VCF-style: chr15-48422033-G-C. GRCh37 (hg19) VCF-style: chr15-48714230-G-C.
Other names: c.7489C>G, p.Gln2497Glu (NM_001406716.1); short protein forms Q2497E.
Identifiers: ClinVar variation 2430789 (VCV002430789.2), dbSNP rs374285197, ClinGen allele CA058670.